The following is an entry in ClinVar:

NM_015629.4(PRPF31):c.55G>A (p.Glu19Lys)

Gene: PRPF31 (pre-mRNA processing factor 31; plus strand). Cytogenetic location: 19q13.42.
Variant type: single nucleotide variant.
Coding change: c.55G>A on transcript NM_015629.4 (MANE Select); coding-DNA position 55, G replaced by A.
Protein change: p.Glu19Lys; replaces glutamic acid 19 with lysine.
Molecular consequence: missense variant.
Genome position (GRCh38, 1-based): chr19:54,118,333, G>A. VCF-style: chr19-54118333-G-A. GRCh37 (hg19) VCF-style: chr19-54621713-G-A.
Other names: short protein forms E19K.
Identifiers: ClinVar variation 3640002 (VCV003640002.2).
Genomic context (GRCh38, chr19:54,118,333, plus strand): 5'-CTCGGGATGTCTCTGGCAGATGAGCTCTTAGCTGATCTCGAAGAGGCAGCAGAAGAGGAG[G>A]AAGGAGGAAGCTATGGGGAGGAAGAAGAGGAGCCAGCGATCGAGGATGTGCAGGAGGAGA-3'
Protein context (NP_056444.3, residues 9-29): ADLEEAAEEE[Glu19Lys]GGSYGEEEEE

ClinVar aggregate classification (germline): Uncertain significance (1 of 4 stars; one submission).

Submission:

Labcorp Genetics (formerly Invitae), Labcorp
Classification: Uncertain significance. Last evaluated: 2024-02-10. Review status: criteria provided, single submitter. Criteria: Invitae Variant Classification Sherloc (09022015). Collection method: clinical testing. Allele origin: germline.
Comment: This sequence change replaces glutamic acid, which is acidic and polar, with lysine, which is basic and polar, at codon 19 of the PRPF31 protein (p.Glu19Lys). This variant is not present in population databases (gnomAD no frequency). This variant has not been reported in the literature in individuals affected with PRPF31-related conditions. Experimental studies and prediction algorithms are not available or were not evaluated, and the functional significance of this variant is currently unknown. In summary, the available evidence is currently insufficient to determine the role of this variant in disease. Therefore, it has been classified as a Variant of Uncertain Significance.